The following is an entry in ClinVar:

NM_178452.6(DNAAF1):c.462_465del (p.Cys155fs)

Gene: DNAAF1 (dynein axonemal assembly factor 1; plus strand). Cytogenetic location: 16q24.1.
Variant type: Deletion.
Coding change: c.462_465del on transcript NM_178452.6 (MANE Select); coding-DNA positions 462 to 465, 4 bases deleted (TTGC; older notation c.462_465delTTGC).
Protein change: p.Cys155fs; shifts the reading frame from cysteine 155.
Molecular consequence: frameshift variant.
Genome position (GRCh38, 1-based): chr16:84,154,686-84,154,689, TTGC deleted. VCF-style (leftmost placement, unchanged base first): chr16-84154685-GTTGC-G. GRCh37 (hg19) VCF-style: chr16-84188290-GTTGC-G.
Other names: short protein forms C155fs.
Identifiers: ClinVar variation 2915325 (VCV002915325.3), dbSNP rs2507367572, ClinGen allele CA2739265516.

ClinVar aggregate classification (germline): Pathogenic (1 of 4 stars; one submission).

Conditions:
Primary ciliary dyskinesia. Also called: Ciliary dyskinesia. Identifiers: Orphanet 244, MedGen C0008780, MONDO:0016575, HP:0012265.

Submission:

Labcorp Genetics (formerly Invitae), Labcorp
Classification: Pathogenic for Primary ciliary dyskinesia. Last evaluated: 2023-07-09. Review status: criteria provided, single submitter. Criteria: Invitae Variant Classification Sherloc (09022015). Collection method: clinical testing. Allele origin: germline.
Comment: This sequence change creates a premature translational stop signal (p.Cys155Serfs*5) in the DNAAF1 gene. It is expected to result in an absent or disrupted protein product. Loss-of-function variants in DNAAF1 are known to be pathogenic (PMID: 19944400, 19944405). This variant is not present in population databases (gnomAD no frequency). This variant has not been reported in the literature in individuals affected with DNAAF1-related conditions. For these reasons, this variant has been classified as Pathogenic.

Literature cited by the submitters: PubMed 19944400; PubMed 19944405.